The following is an entry in ClinVar:

NM_001201427.2(DAAM2):c.2252+5G>C

Genes: DAAM2 (dishevelled associated activator of morphogenesis 2; plus strand), DAAM2-AS1 (DAAM2 antisense RNA 1; minus strand). Cytogenetic location: 6p21.2.
Variant type: single nucleotide variant.
Coding change: c.2252+5G>C on transcript NM_001201427.2 (MANE Select); 5 bases into the intron after coding-DNA position 2252, G replaced by C.
Molecular consequence: intron variant.
Genome position (GRCh38, 1-based): chr6:39,891,452, G>C. VCF-style: chr6-39891452-G-C. GRCh37 (hg19) VCF-style: chr6-39859228-G-C.
Other names: c.2252+5G>C (NM_015345.4).
Identifiers: ClinVar variation 3899560 (VCV003899560.1).
Genomic context (GRCh38, chr6:39,891,452, plus strand): 5'-AAGCATGAAATTGAGCGGATGGCCCGTGCTGACCGCTTCCTCTATGAAATGAGCAGGTTG[G>C]GCCATGGGCATGGTGGGGATTCAAGCAGGTGGGGTTCTGGCAGGTGGGGCAGGTGGGGCT-3'

ClinVar aggregate classification (germline): Uncertain significance (1 of 4 stars; one submission).

gnomAD v4.1: 33 of 1,601,222 alleles (0.0021%); highest among the groups gnomAD compares: Admixed American, 0.01%; no homozygotes.

Submission:

GeneDx
Classification: Uncertain significance. Last evaluated: 2024-11-05. Review status: criteria provided, single submitter. Criteria: GeneDx Variant Classification Process June 2021. Collection method: clinical testing. Allele origin: germline. Affected: yes.
Comment: In silico analysis is inconclusive as to whether the variant alters gene splicing. In the absence of RNA/functional studies, the actual effect of this sequence change is unknown.; Has not been previously published as pathogenic or benign to our knowledge